The following is an entry in ClinVar:

ClinVar aggregate classification (germline): Uncertain significance. Review status: criteria provided, multiple submitters, no conflicts (2 of 4 stars). 2 submissions from 2 submitters: Uncertain significance (2). Last evaluated 2023-03-19.

Conditions:
Hereditary cancer-predisposing syndrome. Also called: Tumor predisposition; Neoplastic Syndromes, Hereditary; Hereditary Cancer Syndrome; Hereditary neoplastic syndrome. Identifiers: Orphanet 140162, MedGen C0027672, MeSH D009386, MONDO:0015356.
DICER1-related tumor predisposition. Also called: DICER1-related pleuropulmonary blastoma cancer predisposition syndrome; DICER1 syndrome. Identifiers: Orphanet 284343, MedGen C3839822, MONDO:0100216.

Submissions (2):

Labcorp Genetics (formerly Invitae), Labcorp
Classification: Uncertain significance for DICER1-related tumor predisposition. Last evaluated: 2023-03-19. Review status: criteria provided, single submitter. Criteria: Invitae Variant Classification Sherloc (09022015). Collection method: clinical testing. Allele origin: germline.
Comment: This sequence change replaces leucine, which is neutral and non-polar, with valine, which is neutral and non-polar, at codon 368 of the DICER1 protein (p.Leu368Val). This variant is not present in population databases (gnomAD no frequency). This variant has not been reported in the literature in individuals affected with DICER1-related conditions. ClinVar contains an entry for this variant (Variation ID: 477028). Advanced modeling of protein sequence and biophysical properties (such as structural, functional, and spatial information, amino acid conservation, physicochemical variation, residue mobility, and thermodynamic stability) performed at Invitae indicates that this missense variant is not expected to disrupt DICER1 protein function. In summary, the available evidence is currently insufficient to determine the role of this variant in disease. Therefore, it has been classified as a Variant of Uncertain Significance.

Ambry Genetics
Classification: Uncertain significance for Hereditary cancer-predisposing syndrome. Last evaluated: 2022-11-30. Review status: criteria provided, single submitter. Criteria: Ambry Variant Classification Scheme 2023. Collection method: clinical testing. Allele origin: germline.
Comment: The p.L368V variant (also known as c.1102C>G), located in coding exon 7 of the DICER1 gene, results from a C to G substitution at nucleotide position 1102. The leucine at codon 368 is replaced by valine, an amino acid with highly similar properties. This amino acid position is highly conserved in available vertebrate species. In addition, this alteration is predicted to be tolerated by in silico analysis. Since supporting evidence is limited at this time, the clinical significance of this alteration remains unclear.

NM_177438.3(DICER1):c.1102C>G (p.Leu368Val)

Gene: DICER1 (dicer 1, ribonuclease III; minus strand). Cytogenetic location: 14q32.13.
Variant type: single nucleotide variant.
Coding change: c.1102C>G on transcript NM_177438.3 (MANE Select); coding-DNA position 1102, C replaced by G.
Protein change: p.Leu368Val; replaces leucine 368 with valine.
Molecular consequence: missense variant.
Genome position (GRCh38, 1-based): chr14:95,124,470, G>C on the plus strand (C>G on the coding strand, the complement: DICER1 is on the minus strand). VCF-style: chr14-95124470-G-C. GRCh37 (hg19) VCF-style: chr14-95590807-G-C.
Other names: c.1102C>G, p.Leu368Val (NM_001195573.1, NM_001271282.3, NM_001291628.2 and 1 more transcripts); short protein forms L368V.
Identifiers: ClinVar variation 477028 (VCV000477028.16), dbSNP rs1555374747, ClinGen allele CA390886956.